The following is an entry in ClinVar:

NM_001244008.2(KIF1A):c.4404G>A (p.Arg1468=)

Gene: KIF1A (kinesin family member 1A; minus strand). Cytogenetic location: 2q37.3.
Variant type: single nucleotide variant.
Coding change: c.4404G>A on transcript NM_001244008.2 (MANE Select); coding-DNA position 4404, G replaced by A.
Protein change: p.Arg1468=; no amino-acid change (arginine 1468 retained).
Molecular consequence: synonymous variant.
Genome position (GRCh38, 1-based): chr2:240,723,473, C>T on the plus strand (G>A on the coding strand, the complement: KIF1A is on the minus strand). VCF-style: chr2-240723473-C-T. GRCh37 (hg19) VCF-style: chr2-241662890-C-T.
Other names: p.Arg1367=; c.4128G>A, p.Arg1376= (NM_001320705.2, NM_001379649.1); c.4155G>A, p.Arg1385= (NM_001330289.2); c.4203G>A, p.Arg1401= (NM_001330290.2, NM_001379648.1); c.4479G>A, p.Arg1493= (NM_001379631.1); c.4380G>A, p.Arg1460= (NM_001379632.1); c.4377G>A, p.Arg1459= (NM_001379633.1, NM_001379645.1); c.4230G>A, p.Arg1410= (NM_001379634.1); and 8 more.
Identifiers: ClinVar variation 4684669 (VCV004684669.1).

ClinVar aggregate classification (germline): Likely benign (1 of 4 stars; one submission).

Submission:

Mayo Clinic Laboratories, Mayo Clinic
Classification: Likely benign. Last evaluated: 2025-05-06. Review status: criteria provided, single submitter. Criteria: ACMG Guidelines, 2015. Collection method: clinical testing. Allele origin: germline. Observed: 1 variant allele.
Comment: BP4, BP7